The following is an entry in ClinVar:

NM_213649.2(SFXN4):c.471+1G>A

Gene: SFXN4 (sideroflexin 4; minus strand). Cytogenetic location: 10q26.11.
Variant type: single nucleotide variant.
Coding change: c.471+1G>A on transcript NM_213649.2 (MANE Select); the canonical splice donor site of the intron after coding-DNA position 471, G replaced by A.
Molecular consequence: splice donor variant.
Genome position (GRCh38, 1-based): chr10:119,157,870, C>T on the plus strand (G>A on the coding strand, the complement: SFXN4 is on the minus strand). VCF-style: chr10-119157870-C-T. GRCh37 (hg19) VCF-style: chr10-120917382-C-T.
Other names: IVS8DS, G-A, +1.
Identifiers: ClinVar variation 92100 (VCV000092100.7), dbSNP rs367932369, ClinGen allele CA145492.

ClinVar aggregate classification (germline): Pathogenic/Likely pathogenic. Review status: criteria provided, multiple submitters, no conflicts (2 of 4 stars). 4 submissions from 4 submitters: Pathogenic (2); Likely pathogenic (1). 1 of the submissions does not count toward it. Last evaluated 2022-07-05.

Conditions:
Growth and developmental delay-hypotonia-vision impairment-lactic acidosis syndrome. Also called: Combined oxidative phosphorylation deficiency 18. Identifiers: Orphanet 391348, MedGen C3810001, MONDO:0014261, OMIM 615578.

Allele frequency attached by ClinVar (database versions not stated): gnomAD exomes below 0.00001; TOPMed below 0.00001; ExAC 0.00001; ESP Exome Variant Server 0.00008.

Submissions (4):

Labcorp Genetics (formerly Invitae), Labcorp
Classification: Likely pathogenic. Last evaluated: 2022-07-05. Review status: criteria provided, single submitter. Criteria: Invitae Variant Classification Sherloc (09022015). Collection method: clinical testing. Allele origin: germline.
Comment: This sequence change affects a donor splice site in intron 8 of the SFXN4 gene. It is expected to disrupt RNA splicing. Variants that disrupt the donor or acceptor splice site typically lead to a loss of protein function (PMID: 16199547), and loss-of-function variants in SFXN4 are known to be pathogenic (PMID: 24119684). This variant is present in population databases (rs367932369, gnomAD 0.0009%). Disruption of this splice site has been observed in individual(s) with mitochondrial disease (PMID: 24119684). ClinVar contains an entry for this variant (Variation ID: 92100). Algorithms developed to predict the effect of sequence changes on RNA splicing suggest that this variant may disrupt the consensus splice site. In summary, the currently available evidence indicates that the variant is pathogenic, but additional data are needed to prove that conclusively. Therefore, this variant has been classified as Likely Pathogenic.

Institute of Human Genetics, University of Leipzig Medical Center
Classification: Pathogenic for Growth and developmental delay-hypotonia-vision impairment-lactic acidosis syndrome. Last evaluated: 2019-06-05. Review status: criteria provided, single submitter. Criteria: ACMG Guidelines, 2015. Collection method: clinical testing. Allele origin: maternal. Inheritance: Autosomal recessive inheritance. Affected: yes.
Comment: Criteria applied: PVS1,PM3,PM2_SUP

Institute of Human Genetics Munich, TUM University Hospital
Classification: Pathogenic for Growth and developmental delay-hypotonia-vision impairment-lactic acidosis syndrome. Last evaluated: 2017-09-08. Review status: criteria provided, single submitter. Criteria: Classification criteria August 2017. Collection method: clinical testing. Allele origin: germline. Inheritance: Autosomal recessive inheritance. Affected: yes. Observed: 1 homozygote.

OMIM
Classification: Pathogenic for COMBINED OXIDATIVE PHOSPHORYLATION DEFICIENCY 18. Last evaluated: 2013-11-07. Review status: no assertion criteria provided. Collection method: literature only. Allele origin: germline. Not counted in ClinVar's aggregate classification.

Literature cited by the submitters: PubMed 16199547 (cited by Labcorp Genetics (formerly Invitae), Labcorp); PubMed 24119684 (cited by Labcorp Genetics (formerly Invitae), Labcorp and OMIM).